The following is an entry in ClinVar:

ClinVar aggregate classification (germline): Conflicting classifications of pathogenicity. Review status: criteria provided, conflicting classifications (1 of 4 stars). 7 submissions from 7 submitters: Pathogenic (1); Likely pathogenic (1); Uncertain significance (3). 2 of the submissions do not count toward it. Last evaluated 2023-08-28.

Conditions:
Myopathy, myofibrillar, 12, infantile-onset, with cardiomyopathy. Identifiers: MedGen C5561937, MONDO:0859168, OMIM 619424.
Cardiovascular phenotype. Identifiers: MedGen CN230736.
Cardiomyopathy (CMYO). Also called: Cardiomyopathies. Identifiers: Orphanet 167848, MedGen C0878544, MONDO:0004994, HP:0001638. Inheritance: Various modes of inheritance.
Hypertrophic cardiomyopathy 10. Also called: CARDIOMYOPATHY, HYPERTROPHIC, MID-LEFT VENTRICULAR CHAMBER TYPE, 2; MYL2-Related Familial Hypertrophic Cardiomyopathy. Identifiers: MedGen C1834460, MONDO:0012112, OMIM 608758.
Congenital myopathy with fiber type disproportion. Also called: Congenital fiber-type disproportion; Congenital fiber-type disproportion myopathy. Identifiers: Orphanet 2020, MedGen C0546264, MONDO:0009711. Inheritance: all.
Hypertrophic cardiomyopathy. Also called: HYPERTROPHIC MYOCARDIOPATHY. Identifiers: Orphanet 217569, MedGen C0007194, MeSH D002312, MONDO:0005045, HP:0001639.

Allele frequency attached by ClinVar (database versions not stated): gnomAD exomes below 0.00001.

Submissions (7):

All of Us Research Program, National Institutes of Health
Classification: Uncertain significance for Hypertrophic cardiomyopathy. Last evaluated: 2023-08-28. Review status: criteria provided, single submitter. Criteria: ACMG Guidelines, 2015. Collection method: clinical testing. Allele origin: germline. Inheritance: Autosomal dominant inheritance. Observed: 2 variant alleles, 2 heterozygotes.
Comment: This variant deletes 2 nucleotides in exon 7 of the MYL2 gene, creating a frameshift and premature translation stop signal in the last coding exon. This mutant transcript is predicted to escape nonsense-mediated decay and be expressed as a truncated protein. A functional study using patient-derived mRNA showed a slight reduction in active mRNA compared to wild-type controls (PMID: 32453731). This variant has been reported in homozygous state in an individual affected with infantile-onset hypertrophic cardiomyopathy; both heterozygous parents were clinically unaffected (PMID: 32453731). It has also been reported in an individual affected with non-compaction cardiomyopathy (PMID: 33731536) and in an individual affected with left ventricular non-compaction (PMID: 28855170). This variant has not been identified in the general population by the Genome Aggregation Database (gnomAD). Clinical relevance of loss-of-function MYL2 truncation variants in autosomal dominant cardiovascular disorders is not clearly established. The available evidence is insufficient to determine the role of this variant in disease conclusively. Therefore, this variant is classified as a Variant of Uncertain Significance.

This study involves interpretation of variants in research participants for the purpose of population health screening. Participant phenotype was not available at the time of variant classification. Additional details can be found in publication PMID: 35346344, PMCID: PMC8962531

Color Diagnostics, LLC DBA Color Health
Classification: Uncertain significance for Cardiomyopathy. Last evaluated: 2023-04-27. Review status: criteria provided, single submitter. Criteria: ACMG Guidelines, 2015. Collection method: clinical testing. Allele origin: germline.
Comment: This variant deletes 2 nucleotides in exon 7 of the MYL2 gene, creating a frameshift and premature translation stop signal in the last coding exon. This mutant transcript is predicted to escape nonsense-mediated decay and be expressed as a truncated protein. A functional study using patient-derived mRNA showed a slight reduction in active mRNA compared to wild-type controls (PMID: 32453731). This variant has been reported in homozygous state in an individual affected with infantile-onset hypertrophic cardiomyopathy; both heterozygous parents were clinically unaffected (PMID: 32453731). It has also been reported in an individual affected with non-compaction cardiomyopathy (PMID: 33731536) and in an individual affected with left ventricular non-compaction (PMID: 28855170). This variant has not been identified in the general population by the Genome Aggregation Database (gnomAD). Clinical relevance of loss-of-function MYL2 truncation variants in autosomal dominant cardiovascular disorders is not clearly established. The available evidence is insufficient to determine the role of this variant in disease conclusively. Therefore, this variant is classified as a Variant of Uncertain Significance.

Ambry Genetics
Classification: Uncertain significance for Cardiovascular phenotype. Last evaluated: 2023-02-03. Review status: criteria provided, single submitter. Criteria: Ambry Variant Classification Scheme 2023. Collection method: clinical testing. Allele origin: germline.
Comment: The c.431_432delCT variant, located in coding exon 7 of the MYL2 gene, results from a deletion of two nucleotides at nucleotide positions 431 to 432, causing a translational frameshift with a predicted alternate stop codon (p.P144Rfs*57). This alteration occurs at the 3' terminus of theMYL2 gene, is not expected to trigger nonsense-mediated mRNA decay, and impacts the last 13% of the protein. However, premature stop codons are typically deleterious in nature and a significant portion of the protein is affected (Ambry internal data). This alteration has been reported as homozygous in a case report with ventricular hypertrophy and hypotonia, passing away from refractory cardiogenic shock (Manivannan SN et al. PLoS Genet, 2020 May;16:e1008639). Additionally, this alteration was found in trans with an additional alteration in MYL2 in two siblings with muscle weakness and dilated cardiomyopathy (Tamamitsu AM et al. Int Heart J, 2021 Mar;62:445-447). Lastly, this alteration was detected in a left ventricular non-compaction (LVNC) cohort; however, clinical details were limited (Wang C et al. J Am Heart Assoc, 2017 Aug;6:[ePub ahead of print]; Hirono K et al. Circ Genom Precis Med, 2020 Aug;13:e002940). Although biallelic loss of function alterations in MYL2 have been associated with autosomal recessive MYL2-related myofibrillar myopathy with cardiomyopathy, haploinsufficiency for MYL2 has not been clearly established as a mechanism of disease for autosomal dominant MYL2-related cardiomyopathy. Since supporting evidence is limited at this time, the clinical significance of this alteration remains unclear.

Department of Pediatrics, The University of Tokyo
Classification: Pathogenic for Congenital myopathy with fiber type disproportion. Last evaluated: 2021-05-27. Review status: criteria provided, single submitter. Criteria: ACMG Guidelines, 2015. Collection method: clinical testing. Allele origin: inherited. Affected: yes. Observed: 1 compound heterozygote. Segregation with disease observed.

CHEO Genetics Diagnostic Laboratory, Children's Hospital of Eastern Ontario
Classification: Likely pathogenic for Cardiomyopathy. Last evaluated: 2020-11-24. Review status: criteria provided, single submitter. Criteria: ACMG Guidelines, 2015. Collection method: clinical testing. Allele origin: germline.

OMIM
Classification: Pathogenic for MYOPATHY, MYOFIBRILLAR, 12, INFANTILE-ONSET, WITH CARDIOMYOPATHY. Last evaluated: 2021-08-06. Review status: no assertion criteria provided. Collection method: literature only. Allele origin: germline. Not counted in ClinVar's aggregate classification.

Garg Lab, Nationwide Children's Hospital
Classification: Pathogenic for Hypertrophic cardiomyopathy 10. Last evaluated: 2020-03-17. Review status: no assertion criteria provided. Collection method: research. Allele origin: inherited, unknown. Affected: yes and no. Observed: 3 variant alleles. Not counted in ClinVar's aggregate classification.
Comment: The variant is observed to be pathogenic only if homozygous, at least for the infantile presentation, and not pathogenic (or weakly expressed with no obvious disease) if heterozygous

Literature cited by the submitters: PubMed 28855170 (cited by 3 submitters); PubMed 32453731 (cited by 4 submitters); PubMed 33731536 (cited by 3 submitters); PubMed 32600061 (cited by Ambry Genetics).

NM_000432.4(MYL2):c.431_432del (p.Pro144fs)

Gene: MYL2 (myosin light chain 2; minus strand). Cytogenetic location: 12q24.11.
Variant type: Deletion.
Coding change: c.431_432del on transcript NM_000432.4 (MANE Select); coding-DNA positions 431 to 432, 2 bases deleted (CT; older notation c.431_432delCT).
Protein change: p.Pro144fs; shifts the reading frame from proline 144.
Molecular consequence: frameshift variant.
Genome position (GRCh38, 1-based): chr12:110,911,146-110,911,147, AG deleted on the plus strand (CT on the coding strand, the reverse complement: MYL2 is on the minus strand). VCF-style (leftmost placement, unchanged base first): chr12-110911145-CAG-C. GRCh37 (hg19) VCF-style: chr12-111348949-CAG-C.
Other names: c.431_432delCT (NM_000432.3); short protein forms P144fs.
Identifiers: ClinVar variation 626790 (VCV000626790.19), dbSNP rs1566147422, ClinGen allele CA913188487.